The following is an entry in ClinVar:

ClinVar aggregate classification (germline): Uncertain significance. Review status: criteria provided, multiple submitters, no conflicts (2 of 4 stars). 3 submissions from 3 submitters: Uncertain significance (2). 1 of the submissions does not count toward it. Last evaluated 2023-09-22.

Conditions:
beta Thalassemia (BTHAL). Also called: Cooley's anemia; Erythroblastic anemia; Mediterranean anemia. Identifiers: Orphanet 848, MedGen C0005283, MONDO:0019402. Disease mechanism: loss of function.

Allele frequency attached by ClinVar (database versions not stated): TOPMed below 0.00001; gnomAD 0.00001.
gnomAD v4.1: 1 of 1,613,824 alleles (0.000062%); highest among the groups gnomAD compares: African/African-American, 0.0013%; no homozygotes.

Submissions (3):

Women's Health and Genetics/Laboratory Corporation of America, LabCorp
Classification: Uncertain significance. Last evaluated: 2023-09-22. Review status: criteria provided, single submitter. Criteria: LabCorp Variant Classification Summary - May 2015. Collection method: clinical testing. Allele origin: germline.
Comment: Variant summary: HBB c.309C>A (p.Asn103Lys; a.k.a. Hb Richmond) results in a non-conservative amino acid change located in the Globin of the encoded protein sequence. Five of five in-silico tools predict a damaging effect of the variant on protein function. The variant was absent in 251380 control chromosomes (gnomAD). The available data on variant occurrences in the general population are insufficient to allow any conclusion about variant significance. The variant, c.309C>A, has been identified in compound heterozygosity with HbS and HbC variants without in vivo sickling and hemolysis. Mild microcytic anemia and polycythemia caused by elevated oxygen affinity, often silent, was also reported. Oxygen affinity studies showed normal readings in the whole blood but slightly higher affinity for oxygen of purified Hb Richmond (Efremov_1969). The variant of interest may be a benign structural variant, however since no reports of homozygosity or compound heterozygosity with B-thal-0 were published at the time of scoring, the clinical significant of Hb Richmond cannot be assessed with confidence. The following publications have been ascertained in the context of this evaluation (PMID: 27207683, 4981790, 26635043, 6859036, 19429541, 19750260, 29365076, 239952, 24200101). Two submitters have cited clinical-significance assessments for this variant to ClinVar after 2014. All submitters classified the variant as uncertain significance. Based on the evidence outlined above, the variant was classified as uncertain significance.

Quest Diagnostics Nichols Institute San Juan Capistrano
Classification: Uncertain significance. Last evaluated: 2023-07-11. Review status: criteria provided, single submitter. Criteria: Quest Diagnostics criteria. Collection method: clinical testing. Allele origin: unknown.
Comment: The HBB c.309C>A (p.Asn103Lys) variant (also known as Hb Richmond or CD 102 AAC>AAA or AAG) has been reported in the published literature in heterozygotes with a normal clinical presentation in the published literature (PMID: 4981790 (1969), and 6859036 (1983)). Functional studies suggest this variant may not be damaging to normal function but are inconclusive (PMID: 4981790 (1969), 5283757 (1971), and 239952 (1975)). The frequency of this variant in the general population, 0.0000066 (1/152160 chromosomes (Genome Aggregation Database)), is uninformative in the assessment of its pathogenicity. Analysis of this variant using bioinformatics tools for the prediction of the effect of amino acid changes on protein structure and function yielded predictions that this variant is damaging. Based on the available information, we are unable to determine the clinical significance of this variant.

Natera, Inc.
Classification: Uncertain significance for Beta thalassemia. Last evaluated: 2020-09-16. Review status: no assertion criteria provided. Collection method: clinical testing. Allele origin: germline. Not counted in ClinVar's aggregate classification.

Literature cited by the submitters: PubMed 239952 (cited by Women's Health and Genetics/Laboratory Corporation of America, LabCorp and Quest Diagnostics Nichols Institute San Juan Capistrano); PubMed 4981790 (cited by Women's Health and Genetics/Laboratory Corporation of America, LabCorp and Quest Diagnostics Nichols Institute San Juan Capistrano); PubMed 6859036 (cited by Women's Health and Genetics/Laboratory Corporation of America, LabCorp and Quest Diagnostics Nichols Institute San Juan Capistrano); PubMed 19429541 (cited by Women's Health and Genetics/Laboratory Corporation of America, LabCorp and Quest Diagnostics Nichols Institute San Juan Capistrano); PubMed 24200101 (cited by Women's Health and Genetics/Laboratory Corporation of America, LabCorp and Quest Diagnostics Nichols Institute San Juan Capistrano); PubMed 19750260 (cited by Women's Health and Genetics/Laboratory Corporation of America, LabCorp and Quest Diagnostics Nichols Institute San Juan Capistrano); PubMed 26635043 (cited by Women's Health and Genetics/Laboratory Corporation of America, LabCorp and Quest Diagnostics Nichols Institute San Juan Capistrano); PubMed 27207683 (cited by Women's Health and Genetics/Laboratory Corporation of America, LabCorp); PubMed 29365076 (cited by Women's Health and Genetics/Laboratory Corporation of America, LabCorp); PubMed 5283757 (cited by Quest Diagnostics Nichols Institute San Juan Capistrano); PubMed 1272328 (cited by Quest Diagnostics Nichols Institute San Juan Capistrano).

NM_000518.5(HBB):c.309C>A (p.Asn103Lys)

Genes: HBB (hemoglobin subunit beta; minus strand), LOC106099062 (HBB recombination region; plus strand), LOC107133510 (origin of replication at HBB; plus strand), LOC110006319 (beta-globin gene 3' regulatory region; plus strand). Cytogenetic location: 11p15.4.
Variant type: single nucleotide variant.
Coding change: c.309C>A on transcript NM_000518.5 (MANE Select); coding-DNA position 309, C replaced by A.
Protein change: p.Asn103Lys; replaces asparagine 103 with lysine.
Molecular consequence: missense variant.
Genome position (GRCh38, 1-based): chr11:5,226,583, G>T on the plus strand (C>A on the coding strand, the complement: HBB is on the minus strand). VCF-style: chr11-5226583-G-T. GRCh37 (hg19) VCF-style: chr11-5247813-G-T.
Other names: short protein forms N103K.
Identifiers: ClinVar variation 36311 (VCV000036311.4), dbSNP rs34227486, ClinGen allele CA342856.